The following is an entry in ClinVar:

ClinVar aggregate classification (germline): Likely benign (0 of 4 stars; one submission).

Conditions:
ZNF407-related disorder. Also called: ZNF407-related condition.

Allele frequency attached by ClinVar (database versions not stated): TOPMed 0.00005.
gnomAD v4.1: 14 of 1,613,980 alleles (0.00087%); highest among the groups gnomAD compares: East Asian, 0.0045%; no homozygotes.

Submission:

PreventionGenetics, part of Exact Sciences
Classification: Likely benign for ZNF407-related condition. Last evaluated: 2019-04-29. Review status: no assertion criteria provided. Collection method: clinical testing. Allele origin: germline.
Comment: This variant is classified as likely benign based on ACMG/AMP sequence variant interpretation guidelines (Richards et al. 2015 PMID: 25741868, with internal and published modifications).

NM_017757.3(ZNF407):c.4965G>A (p.Pro1655=)

Gene: ZNF407 (zinc finger protein 407; plus strand). Cytogenetic location: 18q22.3.
Variant type: single nucleotide variant.
Coding change: c.4965G>A on transcript NM_017757.3 (MANE Select); coding-DNA position 4965, G replaced by A.
Protein change: p.Pro1655=; no amino-acid change (proline 1655 retained).
Molecular consequence: synonymous variant.
Genome position (GRCh38, 1-based): chr18:74,877,284, G>A. VCF-style: chr18-74877284-G-A. GRCh37 (hg19) VCF-style: chr18-72589240-G-A.
Other names: c.4965G>A, p.Pro1655= (NM_001146189.1, NM_001384475.1).
Identifiers: ClinVar variation 3056791 (VCV003056791.2), dbSNP rs767992686, ClinGen allele CA9000994.